The following is an entry in ClinVar:

NM_000064.4(C3):c.4535G>A (p.Arg1512His)

Gene: C3 (complement C3; minus strand). Cytogenetic location: 19p13.3.
Variant type: single nucleotide variant.
Coding change: c.4535G>A on transcript NM_000064.4 (MANE Select); coding-DNA position 4535, G replaced by A.
Protein change: p.Arg1512His; replaces arginine 1512 with histidine.
Molecular consequence: missense variant.
Genome position (GRCh38, 1-based): chr19:6,679,418, C>T on the plus strand (G>A on the coding strand, the complement: C3 is on the minus strand). VCF-style: chr19-6679418-C-T. GRCh37 (hg19) VCF-style: chr19-6679429-C-T.
Other names: p.Arg1512His; c.4535G>A (NM_000064.3, LRG_27t1); short protein forms R1512H.
Identifiers: ClinVar variation 330281 (VCV000330281.13), dbSNP rs142868256, ClinGen allele CA9128367.

ClinVar aggregate classification (germline): Conflicting classifications of pathogenicity. Review status: criteria provided, conflicting classifications (1 of 4 stars). 8 submissions from 6 submitters: Uncertain significance (7); Likely benign (1). Last evaluated 2026-01-25.

Conditions:
C3 glomerulonephritis. Also called: C3 GLOMERULOPATHY 3; Nephropathy due to CFHR5 Deficiency. Identifiers: Orphanet 329931, MedGen C4055342, MONDO:0013892, OMIM 614809.
Age related macular degeneration 9. Identifiers: MedGen C1969651, MONDO:0012659, OMIM 611378.
Atypical hemolytic-uremic syndrome with C3 anomaly. Also called: AHUS, SUSCEPTIBILITY TO, 5. Identifiers: Orphanet 2134, MedGen C2752037, MONDO:0013043, OMIM 612925.
Complement component 3 deficiency. Identifiers: Orphanet 280133, MedGen C3151071, MONDO:0013417, OMIM 613779.

Allele frequency attached by ClinVar (database versions not stated): gnomAD 0.00007 and 0.00009; TOPMed 0.00009; gnomAD exomes 0.00011 and 0.00020; ExAC 0.00014; ESP Exome Variant Server 0.00023.
gnomAD v4.1: 299 of 1,612,856 alleles (0.019%); highest among the groups gnomAD compares: Non-Finnish European, 0.024%; 1 homozygote.

Submissions (8):

Labcorp Genetics (formerly Invitae), Labcorp
Classification: Uncertain significance. Last evaluated: 2026-01-25. Review status: criteria provided, single submitter. Criteria: Invitae Variant Classification Sherloc (09022015). Collection method: clinical testing. Allele origin: germline.
Comment: This sequence change replaces arginine, which is basic and polar, with histidine, which is basic and polar, at codon 1512 of the C3 protein (p.Arg1512His). This variant is present in population databases (rs142868256, gnomAD 0.02%). This missense change has been observed in individual(s) with clinical features of hemolytic uremic syndrome or C3 glomerulonephritis (PMID: 37466676, 38344720). ClinVar contains an entry for this variant (Variation ID: 330281). Invitae Evidence Modeling of protein sequence and biophysical properties (such as structural, functional, and spatial information, amino acid conservation, physicochemical variation, residue mobility, and thermodynamic stability) indicates that this missense variant is not expected to disrupt C3 protein function with a negative predictive value of 80%. In summary, the available evidence is currently insufficient to determine the role of this variant in disease. Therefore, it has been classified as a Variant of Uncertain Significance.

Genomenon, Inc
Classification: Uncertain significance for C3 glomerulonephritis. Last evaluated: 2025-09-30. Review status: criteria provided, single submitter. Criteria: Genomenon Sequence Variant Interpretation Standards. Collection method: curation. Allele origin: germline. Affected: yes.
Comment: C3 p.Arg1512His (c.4535G>A) is a missense variant that changes the amino acid at residue 1512 from Arginine to Histidine. This variant has been observed in at least one proband affected with C3 glomerulonephritis (PMID:38344720). It is absent or not present at a significant frequency in gnomAD. In silico models agree that this variant is not damaging. In conclusion, we classify C3 p.Arg1512His (c.4535G>A) as a variant of unknown significance.

GeneDx
Classification: Uncertain significance. Last evaluated: 2025-01-27. Review status: criteria provided, single submitter. Criteria: GeneDx Variant Classification Process June 2021. Collection method: clinical testing. Allele origin: germline. Affected: yes.
Comment: In silico analysis indicates that this missense variant does not alter protein structure/function; This variant is associated with the following publications: (PMID: 37466676, 38344720, 28719003, 28780656)

Fulgent Genetics
Classification: Uncertain significance for Age related macular degeneration 9; Atypical hemolytic-uremic syndrome with C3 anomaly; Complement component 3 deficiency. Last evaluated: 2024-04-08. Review status: criteria provided, single submitter. Criteria: ACMG Guidelines, 2015. Collection method: clinical testing. Allele origin: germline.

Mayo Clinic Laboratories, Mayo Clinic
Classification: Uncertain significance. Last evaluated: 2022-11-14. Review status: criteria provided, single submitter. Criteria: ACMG Guidelines, 2015. Collection method: clinical testing. Allele origin: germline. Observed: 1 variant allele.
Comment: BP4

Illumina Laboratory Services, Illumina
Classification: Likely benign for Atypical hemolytic-uremic syndrome with C3 anomaly. Last evaluated: 2018-01-12. Review status: criteria provided, single submitter. Criteria: ICSL Variant Classification Criteria 13 December 2019. Collection method: clinical testing. Allele origin: germline.
Comment: This variant was observed in the ICSL laboratory as part of a predisposition screen in an ostensibly healthy population. It had not been previously curated by ICSL or reported in the Human Gene Mutation Database (HGMD: prior to June 1st, 2018), and was therefore a candidate for classification through an automated scoring system. Utilizing variant allele frequency, disease prevalence and penetrance estimates, and inheritance mode, an automated score was calculated to assess if this variant is too frequent to cause the disease. Based on the score and internal cut-off values, a variant classified as likely benign is not then subjected to further curation. The score for this variant resulted in a classification of likely benign for this disease.

Illumina Laboratory Services, Illumina
Classification: Uncertain significance for Complement component 3 deficiency. Last evaluated: 2018-01-12. Review status: criteria provided, single submitter. Criteria: ICSL Variant Classification Criteria 13 December 2019. Collection method: clinical testing. Allele origin: germline.

Illumina Laboratory Services, Illumina
Classification: Uncertain significance for Age related macular degeneration 9. Last evaluated: 2018-01-12. Review status: criteria provided, single submitter. Criteria: ICSL Variant Classification Criteria 13 December 2019. Collection method: clinical testing. Allele origin: germline.

Literature cited by the submitters: PubMed 37466676 (cited by Labcorp Genetics (formerly Invitae), Labcorp); PubMed 38344720 (cited by Labcorp Genetics (formerly Invitae), Labcorp and Genomenon, Inc).